The following is an entry in ClinVar:

NM_005883.3(APC2):c.4115C>T (p.Pro1372Leu)

Gene: APC2 (APC regulator of Wnt signaling pathway 2; plus strand). Cytogenetic location: 19p13.3.
Variant type: single nucleotide variant.
Coding change: c.4115C>T on transcript NM_005883.3 (MANE Select); coding-DNA position 4115, C replaced by T.
Protein change: p.Pro1372Leu; replaces proline 1372 with leucine.
Molecular consequence: missense variant.
Genome position (GRCh38, 1-based): chr19:1,467,416, C>T. VCF-style: chr19-1467416-C-T. GRCh37 (hg19) VCF-style: chr19-1467415-C-T.
Other names: c.4112C>T, p.Pro1371Leu (NM_001351273.1); short protein forms P1371L, P1372L.
Identifiers: ClinVar variation 2004759 (VCV002004759.4), dbSNP rs2084037920, ClinGen allele CA403034322.

ClinVar aggregate classification (germline): Uncertain significance (1 of 4 stars; one submission).

Submission:

Labcorp Genetics (formerly Invitae), Labcorp
Classification: Uncertain significance. Last evaluated: 2022-07-04. Review status: criteria provided, single submitter. Criteria: Invitae Variant Classification Sherloc (09022015). Collection method: clinical testing. Allele origin: germline.
Comment: This sequence change replaces proline, which is neutral and non-polar, with leucine, which is neutral and non-polar, at codon 1372 of the APC2 protein (p.Pro1372Leu). In summary, the available evidence is currently insufficient to determine the role of this variant in disease. Therefore, it has been classified as a Variant of Uncertain Significance. Algorithms developed to predict the effect of missense changes on protein structure and function are either unavailable or do not agree on the potential impact of this missense change (SIFT: "Deleterious"; PolyPhen-2: "Benign"; Align-GVGD: "Class C0"). This variant has not been reported in the literature in individuals affected with APC2-related conditions. This variant is not present in population databases (gnomAD no frequency).